The following is an entry in ClinVar:

ClinVar aggregate classification (germline): Uncertain significance. Review status: criteria provided, multiple submitters, no conflicts (2 of 4 stars). 2 submissions from 2 submitters: Uncertain significance (2). Last evaluated 2025-03-26.

Conditions:
Inborn genetic diseases. Identifiers: MedGen C0950123, MeSH D030342.

Allele frequency attached by ClinVar (database versions not stated): gnomAD exomes 0.00001; gnomAD 0.00003; TOPMed 0.00003; ESP Exome Variant Server 0.00008.
gnomAD v4.1: 21 of 1,609,742 alleles (0.0013%); highest among the groups gnomAD compares: Non-Finnish European, 0.0016%; no homozygotes.

Submissions (2):

GeneDx
Classification: Uncertain significance. Last evaluated: 2025-03-26. Review status: criteria provided, single submitter. Criteria: GeneDx Variant Classification Process June 2021. Collection method: clinical testing. Allele origin: germline. Affected: yes.
Comment: In silico analysis supports that this missense variant has a deleterious effect on protein structure/function; Has not been previously published as pathogenic or benign to our knowledge

Ambry Genetics
Classification: Uncertain significance for Inborn genetic diseases. Last evaluated: 2023-02-23. Review status: criteria provided, single submitter. Criteria: Ambry Variant Classification Scheme 2023. Collection method: clinical testing. Allele origin: germline.

NM_006390.4(IPO8):c.1604A>G (p.Tyr535Cys)

Gene: IPO8 (importin 8; minus strand). Cytogenetic location: 12p11.21.
Variant type: single nucleotide variant.
Coding change: c.1604A>G on transcript NM_006390.4 (MANE Select); coding-DNA position 1604, A replaced by G.
Protein change: p.Tyr535Cys; replaces tyrosine 535 with cysteine.
Molecular consequence: missense variant.
Genome position (GRCh38, 1-based): chr12:30,662,478, T>C on the plus strand (A>G on the coding strand, the complement: IPO8 is on the minus strand). VCF-style: chr12-30662478-T-C. GRCh37 (hg19) VCF-style: chr12-30815412-T-C.
Other names: c.989A>G, p.Tyr330Cys (NM_001190995.2); short protein forms Y535C, Y330C.
Identifiers: ClinVar variation 2457717 (VCV002457717.3), dbSNP rs374699235, ClinGen allele CA234465348.